The following is an entry in ClinVar:

ClinVar aggregate classification (germline): Uncertain significance (1 of 4 stars; one submission).

Allele frequency attached by ClinVar (database versions not stated): gnomAD 0.00001; ExAC 0.00002; gnomAD exomes 0.00002; TOPMed 0.00002.
gnomAD v4.1: 26 of 1,612,114 alleles (0.0016%); highest among the groups gnomAD compares: Non-Finnish European, 0.0019%; no homozygotes.

Submission:

Labcorp Genetics (formerly Invitae), Labcorp
Classification: Uncertain significance. Last evaluated: 2022-10-13. Review status: criteria provided, single submitter. Criteria: Invitae Variant Classification Sherloc (09022015). Collection method: clinical testing. Allele origin: germline.
Comment: This sequence change replaces glycine, which is neutral and non-polar, with serine, which is neutral and polar, at codon 63 of the CNGA3 protein (p.Gly63Ser). This variant is present in population databases (rs750409034, gnomAD 0.005%). This variant has not been reported in the literature in individuals affected with CNGA3-related conditions. ClinVar contains an entry for this variant (Variation ID: 1464350). Advanced modeling of protein sequence and biophysical properties (such as structural, functional, and spatial information, amino acid conservation, physicochemical variation, residue mobility, and thermodynamic stability) performed at Invitae indicates that this missense variant is not expected to disrupt CNGA3 protein function. In summary, the available evidence is currently insufficient to determine the role of this variant in disease. Therefore, it has been classified as a Variant of Uncertain Significance.

NM_001298.3(CNGA3):c.187G>A (p.Gly63Ser)

Gene: CNGA3 (cyclic nucleotide gated channel subunit alpha 3; plus strand). Cytogenetic location: 2q11.2.
Variant type: single nucleotide variant.
Coding change: c.187G>A on transcript NM_001298.3 (MANE Select); coding-DNA position 187, G replaced by A.
Protein change: p.Gly63Ser; replaces glycine 63 with serine.
Molecular consequence: missense variant.
Genome position (GRCh38, 1-based): chr2:98,377,772, G>A. VCF-style: chr2-98377772-G-A. GRCh37 (hg19) VCF-style: chr2-98994235-G-A.
Other names: c.187G>A, p.Gly63Ser (NM_001079878.2); short protein forms G63S.
Identifiers: ClinVar variation 1464350 (VCV001464350.8), dbSNP rs750409034, ClinGen allele CA1793604.